The following is an entry in ClinVar:

NM_017636.4(TRPM4):c.2769G>A (p.Val923=)

Gene: TRPM4 (transient receptor potential cation channel subfamily M member 4; plus strand). Cytogenetic location: 19q13.33.
Variant type: single nucleotide variant.
Coding change: c.2769G>A on transcript NM_017636.4 (MANE Select); coding-DNA position 2769, G replaced by A.
Protein change: p.Val923=; no amino-acid change (valine 923 retained).
Molecular consequence: synonymous variant.
Genome position (GRCh38, 1-based): chr19:49,200,423, G>A. VCF-style: chr19-49200423-G-A. GRCh37 (hg19) VCF-style: chr19-49703680-G-A.
Other names: c.2769G>A (NM_017636.3); c.2334G>A, p.Val778= (NM_001195227.2); c.2424G>A, p.Val808= (NM_001321281.2); c.1161G>A, p.Val387= (NM_001321282.2); c.2247G>A, p.Val749= (NM_001321283.2); c.1707G>A, p.Val569= (NM_001321285.2).
Identifiers: ClinVar variation 1638764 (VCV001638764.9), dbSNP rs1038658420, ClinGen allele CA309458033.

ClinVar aggregate classification (germline): Conflicting classifications of pathogenicity. Review status: criteria provided, conflicting classifications (1 of 4 stars). 2 submissions from 2 submitters: Uncertain significance (1); Likely benign (1). Last evaluated 2025-03-29.

Conditions:
Cardiovascular phenotype. Identifiers: MedGen CN230736.
Progressive familial heart block type IB (PFHB1B). Identifiers: Orphanet 871, MedGen C1970298, MONDO:0011474, OMIM 604559.

Allele frequency attached by ClinVar (database versions not stated): TOPMed 0.00001; gnomAD 0.00003.
gnomAD v4.1: 5 of 1,609,058 alleles (0.00031%); highest among the groups gnomAD compares: African/African-American, 0.0067%; no homozygotes.

Submissions (2):

Labcorp Genetics (formerly Invitae), Labcorp
Classification: Likely benign for Progressive familial heart block type IB. Last evaluated: 2025-03-29. Review status: criteria provided, single submitter. Criteria: Invitae Variant Classification Sherloc (09022015). Collection method: clinical testing. Allele origin: germline.

Ambry Genetics
Classification: Uncertain significance for Cardiovascular phenotype. Last evaluated: 2020-10-09. Review status: criteria provided, single submitter. Criteria: Ambry Variant Classification Scheme 2023. Collection method: clinical testing. Allele origin: germline.
Comment: The c.2769G>A (p.V923V) alteration is located in exon 18 (coding exon 18) of the TRPM4 gene. This alteration consists of a G to A substitution at nucleotide position 2769. This nucleotide substitution does not change the amino acid at codon 923. However, this change occurs in the last nucleotide of Exon 18 (c.2646_2778) which makes it likely to have some effect on normal mRNA splicing. Based on insufficient or conflicting evidence, the clinical significance of this alteration remains unclear.